The following is an entry in ClinVar:

NM_004519.4(KCNQ3):c.402G>A (p.Leu134=)

Gene: KCNQ3 (potassium voltage-gated channel subfamily Q member 3; minus strand). Cytogenetic location: 8q24.22.
Variant type: single nucleotide variant.
Coding change: c.402G>A on transcript NM_004519.4 (MANE Select); coding-DNA position 402, G replaced by A.
Protein change: p.Leu134=; no amino-acid change (leucine 134 retained).
Molecular consequence: synonymous variant.
Genome position (GRCh38, 1-based): chr8:132,186,166, C>T on the plus strand (G>A on the coding strand, the complement: KCNQ3 is on the minus strand). VCF-style: chr8-132186166-C-T. GRCh37 (hg19) VCF-style: chr8-133198413-C-T.
Other names: c.42G>A, p.Leu14= (NM_001204824.2).
Identifiers: ClinVar variation 654320 (VCV000654320.12), dbSNP rs1253481641, ClinGen allele CA463070761.

ClinVar aggregate classification (germline): Conflicting classifications of pathogenicity. Review status: criteria provided, conflicting classifications (1 of 4 stars). 2 submissions from 2 submitters: Uncertain significance (1); Likely benign (1). Last evaluated 2025-01-30.

Conditions:
Benign neonatal seizures. Also called: Convulsions benign familial neonatal dominant form; Autosomal dominant form of benign neonatal seizures; Benign neonatal familial convulsions; Benign familial neonatal seizures; Benign familial neonatal epilepsy. Identifiers: Orphanet 1949, MedGen C0220669, MONDO:0016027.

Allele frequency attached by ClinVar (database versions not stated): gnomAD exomes 0.00001; TOPMed 0.00002.
gnomAD v4.1: 6 of 1,613,106 alleles (0.00037%); highest among the groups gnomAD compares: Non-Finnish European, 0.00051%; no homozygotes.

Submissions (2):

Labcorp Genetics (formerly Invitae), Labcorp
Classification: Likely benign for Benign neonatal seizures. Last evaluated: 2025-01-30. Review status: criteria provided, single submitter. Criteria: Invitae Variant Classification Sherloc (09022015). Collection method: clinical testing. Allele origin: germline.

GeneDx
Classification: Uncertain significance. Last evaluated: 2019-07-29. Review status: criteria provided, single submitter. Criteria: GeneDx Variant Classification Process June 2021. Collection method: clinical testing. Allele origin: germline. Affected: yes.
Comment: Not observed in large population cohorts (Lek et al., 2016); In silico analysis, which includes splice predictors and evolutionary conservation, suggests this variant may impact gene splicing. In the absence of RNA/functional studies, the actual effect of this sequence change is unknown